The following is an entry in ClinVar:

ClinVar aggregate classification (germline): Likely benign (1 of 4 stars; one submission).

Allele frequency attached by ClinVar (database versions not stated): gnomAD exomes 0.00075 and 0.00211; ExAC 0.00263; ESP Exome Variant Server 0.00864; gnomAD 0.00945 and 0.01011; TOPMed 0.01048; 1000 Genomes Project 0.01198; 1000 Genomes Project 30x 0.01312.
gnomAD v4.1: 2,615 of 1,593,170 alleles (0.16%); highest among the groups gnomAD compares: African/African-American, 2.9%; 40 homozygotes.

Submission:

GeneDx
Classification: Likely benign. Last evaluated: 2018-06-14. Review status: criteria provided, single submitter. Criteria: GeneDx Variant Classification (06012015). Collection method: clinical testing. Allele origin: germline. Affected: yes.
Comment: This variant is considered likely benign or benign based on one or more of the following criteria: it is a conservative change, it occurs at a poorly conserved position in the protein, it is predicted to be benign by multiple in silico algorithms, and/or has population frequency not consistent with disease.

NM_016373.4(WWOX):c.108-42T>A

Gene: WWOX (WW domain containing oxidoreductase; plus strand). Cytogenetic location: 16q23.1.
Variant type: single nucleotide variant.
Coding change: c.108-42T>A on transcript NM_016373.4 (MANE Select); 42 bases into the intron before coding-DNA position 108, T replaced by A.
Molecular consequence: intron variant.
Genome position (GRCh38, 1-based): chr16:78,108,381, T>A. VCF-style: chr16-78108381-T-A. GRCh37 (hg19) VCF-style: chr16-78142278-T-A.
Other names: c.-167-1397T>A (NM_001291997.2); c.108-42T>A (NM_130791.5).
Identifiers: ClinVar variation 677454 (VCV000677454.1), dbSNP rs114491215, ClinGen allele CA8183004.